The following is an entry in ClinVar:

NM_003000.3(SDHB):c.736A>G (p.Ile246Val)

Gene: SDHB (succinate dehydrogenase complex iron sulfur subunit B; minus strand). Cytogenetic location: 1p36.13.
Variant type: single nucleotide variant.
Coding change: c.736A>G on transcript NM_003000.3 (MANE Select); coding-DNA position 736, A replaced by G.
Protein change: p.Ile246Val; replaces isoleucine 246 with valine.
Molecular consequence: missense variant.
Genome position (GRCh38, 1-based): chr1:17,022,637, T>C on the plus strand (A>G on the coding strand, the complement: SDHB is on the minus strand). VCF-style: chr1-17022637-T-C. GRCh37 (hg19) VCF-style: chr1-17349132-T-C.
Other names: short protein forms I246V.
Identifiers: ClinVar variation 412482 (VCV000412482.21), dbSNP rs146800605, ClinGen allele CA089741.

ClinVar aggregate classification (germline): Uncertain significance. Review status: criteria provided, multiple submitters, no conflicts (2 of 4 stars). 7 submissions from 7 submitters: Uncertain significance (7). Last evaluated 2026-01-26.

Conditions:
Hereditary pheochromocytoma and paraganglioma. Also called: Hereditary Paraganglioma-Pheochromocytoma Syndromes; Hereditary pheochromocytoma-paraganglioma; Hereditary paragangliomas and pheochromocytomas. Identifiers: Orphanet 29072, MedGen C4274332, MONDO:0017366.
Gastrointestinal stromal tumor. Also called: Gastrointestinal stroma tumor; Gastrointestinal stromal tumor, somatic. Identifiers: Orphanet 44890, MedGen C0238198, MeSH D046152, MONDO:0011719, OMIM 606764, HP:0100723.
Pheochromocytoma/paraganglioma syndrome 4. Also called: PARAGANGLIOMA, FAMILIAL MALIGNANT; PARAGANGLIOMAS, HEREDITARY EXTRAADRENAL; PHEOCHROMOCYTOMA, FAMILIAL EXTRAADRENAL; Paragangliomas 4; CAROTID BODY TUMORS AND MULTIPLE EXTRAADRENAL PHEOCHROMOCYTOMAS; SDHB-Related Hereditary Paraganglioma-Pheochromocytoma Syndrome (Paragangliomas 4). Identifiers: Orphanet 29072, MedGen C1861848, MONDO:0007273, OMIM 115310.
Pheochromocytoma. Also called: MAX-Related Hereditary Paraganglioma-Pheochromocytoma Syndrome. Identifiers: Orphanet 29072, MedGen C0031511, MONDO:0008233, OMIM 171300, HP:0002666.
Hereditary cancer-predisposing syndrome. Also called: Neoplastic Syndromes, Hereditary; Hereditary Cancer Syndrome; Hereditary neoplastic syndrome; Tumor predisposition. Identifiers: Orphanet 140162, MedGen C0027672, MeSH D009386, MONDO:0015356.

Allele frequency attached by ClinVar (database versions not stated): gnomAD exomes 0.00002; TOPMed 0.00002; ExAC 0.00002; gnomAD 0.00002; ESP Exome Variant Server 0.00008.
gnomAD v4.1: 26 of 1,613,858 alleles (0.0016%); highest among the groups gnomAD compares: Non-Finnish European, 0.0022%; no homozygotes.

Submissions (7):

Labcorp Genetics (formerly Invitae), Labcorp
Classification: Uncertain significance for Gastrointestinal stromal tumor; Pheochromocytoma/paraganglioma syndrome 4; Pheochromocytoma. Last evaluated: 2026-01-26. Review status: criteria provided, single submitter. Criteria: Invitae Variant Classification Sherloc (09022015). Collection method: clinical testing. Allele origin: germline.
Comment: This sequence change replaces isoleucine, which is neutral and non-polar, with valine, which is neutral and non-polar, at codon 246 of the SDHB protein (p.Ile246Val). This variant is present in population databases (rs146800605, gnomAD 0.003%). This variant has not been reported in the literature in individuals affected with SDHB-related conditions. ClinVar contains an entry for this variant (Variation ID: 412482). Invitae Evidence Modeling of protein sequence and biophysical properties (such as structural, functional, and spatial information, amino acid conservation, physicochemical variation, residue mobility, and thermodynamic stability) has been performed for this missense variant. However, the output from this modeling did not meet the statistical confidence thresholds required to predict the impact of this variant on SDHB protein function. In summary, the available evidence is currently insufficient to determine the role of this variant in disease. Therefore, it has been classified as a Variant of Uncertain Significance.

Quest Diagnostics Nichols Institute San Juan Capistrano
Classification: Uncertain significance. Last evaluated: 2025-07-12. Review status: criteria provided, single submitter. Criteria: Quest Diagnostics criteria. Collection method: clinical testing. Allele origin: unknown.

All of Us Research Program, National Institutes of Health
Classification: Uncertain significance for Hereditary pheochromocytoma and paraganglioma. Last evaluated: 2024-05-14. Review status: criteria provided, single submitter. Criteria: ACMG Guidelines, 2015. Collection method: clinical testing. Allele origin: germline. Inheritance: Autosomal dominant inheritance. Observed: 9 variant alleles, 9 heterozygotes.
Comment: This missense variant replaces isoleucine with valine at codon 246 of the SDHB protein. Computational prediction suggests that this variant may have deleterious impact on protein structure and function (internally defined REVEL score threshold >= 0.7, PMID: 27666373). To our knowledge, functional studies have not been reported for this variant. This variant has not been reported in individuals affected with SDHB-related disorders in the literature. This variant has been identified in 4/251448 chromosomes in the general population by the Genome Aggregation Database (gnomAD). The available evidence is insufficient to determine the role of this variant in disease conclusively. Therefore, this variant is classified as a Variant of Uncertain Significance.

This study involves interpretation of variants in research participants for the purpose of population health screening. Participant phenotype was not available at the time of variant classification. Additional details can be found in publication PMID: 35346344, PMCID: PMC8962531

Color Diagnostics, LLC DBA Color Health
Classification: Uncertain significance for Hereditary pheochromocytoma and paraganglioma. Last evaluated: 2024-04-24. Review status: criteria provided, single submitter. Criteria: ACMG Guidelines, 2015. Collection method: clinical testing. Allele origin: germline.
Comment: This missense variant replaces isoleucine with valine at codon 246 of the SDHB protein. Computational prediction suggests that this variant may have deleterious impact on protein structure and function. To our knowledge, functional studies have not been reported for this variant. This variant has not been reported in individuals affected with SDHB-related disorders in the literature. This variant has been identified in 4/251448 chromosomes in the general population by the Genome Aggregation Database (gnomAD). The available evidence is insufficient to determine the role of this variant in disease conclusively. Therefore, this variant is classified as a Variant of Uncertain Significance.

Ambry Genetics
Classification: Uncertain significance for Hereditary cancer-predisposing syndrome. Last evaluated: 2024-04-10. Review status: criteria provided, single submitter. Criteria: Ambry Variant Classification Scheme 2023. Collection method: clinical testing. Allele origin: germline.
Comment: The p.I246V variant (also known as c.736A>G), located in coding exon 7 of the SDHB gene, results from an A to G substitution at nucleotide position 736. The isoleucine at codon 246 is replaced by valine, an amino acid with highly similar properties. In a study of whole-exome sequencing in patients with features of Cowden syndrome (CS) or Bannayan-Riley-Ruvalcaba syndrome (BRRS) and negative PTEN testing, this alteration was identified in 0/87 patients with CS or BRRS and 1/3476 patients from The Cancer Genome Atlas (TCGA) (Yehia L et al. PLoS Genet, 2018 04;14:e1007352). This amino acid position is highly conserved in available vertebrate species. In addition, this alteration is predicted to be deleterious by in silico analysis. Since supporting evidence is limited at this time, the clinical significance of this alteration remains unclear.

GeneDx
Classification: Uncertain significance. Last evaluated: 2023-11-21. Review status: criteria provided, single submitter. Criteria: GeneDx Variant Classification Process June 2021. Collection method: clinical testing. Allele origin: germline. Affected: yes.
Comment: Not observed at significant frequency in large population cohorts (gnomAD); In silico analysis supports that this missense variant does not alter protein structure/function; Has not been previously published as pathogenic or benign to our knowledge

Baylor Genetics
Classification: Uncertain significance for Gastrointestinal stromal tumor. Last evaluated: 2023-09-26. Review status: criteria provided, single submitter. Criteria: ACMG Guidelines, 2015. Collection method: clinical testing. Allele origin: unknown.

Literature cited by the submitters: PubMed 29684080 (cited by Ambry Genetics).